The following is an entry in ClinVar:

ClinVar aggregate classification (germline): Uncertain significance (1 of 4 stars; one submission).

Submission:

GeneDx
Classification: Uncertain significance. Last evaluated: 2019-07-29. Review status: criteria provided, single submitter. Criteria: GeneDx Variant Classification Process June 2021. Collection method: clinical testing. Allele origin: germline. Affected: yes.
Comment: Not observed in large population cohorts (Lek et al., 2016); In silico analysis, which includes protein predictors and evolutionary conservation, supports a deleterious effect; Has not been previously published as pathogenic or benign to our knowledge

NM_001330078.2(NRXN1):c.99T>G (p.Phe33Leu)

Gene: NRXN1 (neurexin 1; minus strand). Cytogenetic location: 2p16.3.
Variant type: single nucleotide variant.
Coding change: c.99T>G on transcript NM_001330078.2 (MANE Select); coding-DNA position 99, T replaced by G.
Protein change: p.Phe33Leu; replaces phenylalanine 33 with leucine.
Molecular consequence: missense variant.
Genome position (GRCh38, 1-based): chr2:51,028,175, A>C on the plus strand (T>G on the coding strand, the complement: NRXN1 is on the minus strand). VCF-style: chr2-51028175-A-C. GRCh37 (hg19) VCF-style: chr2-51255313-A-C.
Other names: c.99T>G, p.Phe33Leu (NM_001135659.3, NM_001330077.2, NM_001330079.2 and 15 more transcripts); short protein forms F33L.
Identifiers: ClinVar variation 1320881 (VCV001320881.2), dbSNP rs2105334367, ClinGen allele CA346824715.